The following is an entry in ClinVar:

ClinVar aggregate classification (germline): Conflicting classifications of pathogenicity. Review status: criteria provided, conflicting classifications (1 of 4 stars). 7 submissions from 7 submitters: Uncertain significance (1); Benign (1); Likely benign (5). Last evaluated 2025-05-30.

Conditions:
Lymphangiomyomatosis (LAM). Also called: Lymphangioleiomyomatosis, somatic; Lymphangioleiomyomatosis. Identifiers: Orphanet 538, MedGen C0751674, MONDO:0011705, OMIM 606690.
Tuberous sclerosis 2 (TSC2). Identifiers: Orphanet 805, MedGen C1860707, MONDO:0013199, OMIM 613254.
Isolated focal cortical dysplasia type II (FCORD2). Also called: CORTICAL DYSPLASIA OF TAYLOR; Focal cortical dysplasia type II. Identifiers: Orphanet 268994, MedGen C1846385, MONDO:0011818, OMIM 607341, HP:0032051.
Hereditary cancer-predisposing syndrome. Also called: Neoplastic Syndromes, Hereditary; Hereditary neoplastic syndrome; Tumor predisposition; Hereditary Cancer Syndrome. Identifiers: Orphanet 140162, MedGen C0027672, MeSH D009386, MONDO:0015356.
Tuberous sclerosis syndrome (TSC). Also called: Tuberous sclerosis; Tuberous Sclerosis Complex. Identifiers: Orphanet 805, MedGen C0041341, MONDO:0001734.

Allele frequency attached by ClinVar (database versions not stated): gnomAD exomes below 0.00001.
gnomAD v4.1: 1 of 1,613,452 alleles (0.000062%); highest among the groups gnomAD compares: South Asian, 0.0011%; no homozygotes.

Submissions (7):

Ambry Genetics
Classification: Likely benign for Hereditary cancer-predisposing syndrome. Last evaluated: 2025-05-30. Review status: criteria provided, single submitter. Criteria: Ambry Variant Classification Scheme 2023. Collection method: clinical testing. Allele origin: germline.

Myriad Genetics, Inc.
Classification: Likely benign for Tuberous sclerosis 2. Last evaluated: 2025-05-15. Review status: criteria provided, single submitter. Criteria: Myriad Autosomal Dominant, Autosomal Recessive and X-Linked Classification Criteria (2023). Collection method: clinical testing. Allele origin: unknown.
Comment: This variant is considered likely benign. This variant is intronic and is not expected to impact mRNA splicing.

Labcorp Genetics (formerly Invitae), Labcorp
Classification: Likely benign for Tuberous sclerosis 2. Last evaluated: 2024-09-23. Review status: criteria provided, single submitter. Criteria: Invitae Variant Classification Sherloc (09022015). Collection method: clinical testing. Allele origin: germline.

All of Us Research Program, National Institutes of Health
Classification: Likely benign for Tuberous sclerosis syndrome. Last evaluated: 2023-04-10. Review status: criteria provided, single submitter. Criteria: ACMG Guidelines, 2015. Collection method: clinical testing. Allele origin: germline. Inheritance: Autosomal dominant inheritance. Observed: 1 variant allele, 1 heterozygote.
Comment: This study involves interpretation of variants in research participants for the purpose of population health screening. Participant phenotype was not available at the time of variant classification. Additional details can be found in publication PMID: 35346344, PMCID: PMC8962531

Genome-Nilou Lab
Classification: Benign for Tuberous sclerosis 2. Last evaluated: 2021-11-07. Review status: criteria provided, single submitter. Criteria: ACMG Guidelines, 2015. Collection method: clinical testing. Allele origin: germline. Affected: no.

GeneDx
Classification: Likely benign. Last evaluated: 2016-10-26. Review status: criteria provided, single submitter. Criteria: GeneDx Variant Classification (06012015). Collection method: clinical testing. Allele origin: germline. Affected: yes.
Comment: This variant is considered likely benign or benign based on one or more of the following criteria: it is a conservative change, it occurs at a poorly conserved position in the protein, it is predicted to be benign by multiple in silico algorithms, and/or has population frequency not consistent with disease.

Center for Genomics, Ann and Robert H. Lurie Children's Hospital of Chicago
Classification: Uncertain significance for Isolated focal cortical dysplasia type II; Lymphangiomyomatosis; Tuberous sclerosis 2. Review status: criteria provided, single submitter. Criteria: ACMG Guidelines, 2015. Collection method: clinical testing. Allele origin: germline.
Comment: TSC2 NM_000548.3 intron 17 c.1840-4A>G:This variant has not been reported in the literature and is not present in large control databases. This variant is present in ClinVar (Variation ID:390347). Evolutionary conservation and computational predictive tools for this variant are limited or unavailable. Although this variant occurs in the splice region, computational prediction tools do not suggest that it alters splicing. However, further studies are needed to understand its impact. In summary, data on this variant is insufficient for disease classification. Therefore, the clinical significance of this variant is uncertain

NM_000548.5(TSC2):c.1840-4A>G

Gene: TSC2 (TSC complex subunit 2; plus strand). Cytogenetic location: 16p13.3.
Variant type: single nucleotide variant.
Coding change: c.1840-4A>G on transcript NM_000548.5 (MANE Select); 4 bases into the intron before coding-DNA position 1840, A replaced by G.
Molecular consequence: intron variant.
Genome position (GRCh38, 1-based): chr16:2,071,506, A>G. VCF-style: chr16-2071506-A-G. GRCh37 (hg19) VCF-style: chr16-2121507-A-G.
Other names: c.1840-4A>G (NM_001114382.3, NM_021055.3, NM_001370405.1 and 3 more transcripts); c.1729-4A>G (NM_001318827.2); c.1240-4A>G (NM_001318831.2); c.1693-4A>G (NM_001318829.2); c.1873-4A>G (NM_001318832.2).
Identifiers: ClinVar variation 390347 (VCV000390347.17), dbSNP rs1057523736, ClinGen allele CA16606928.